The following is an entry in ClinVar:

ClinVar aggregate classification (germline): Uncertain significance (1 of 4 stars; one submission).

Conditions:
Capillary malformation-arteriovenous malformation syndrome. Also called: Capillary malformation-arteriovenous malformation. Identifiers: Orphanet 137667, MedGen C1842180, MONDO:0012016.

Submission:

Labcorp Genetics (formerly Invitae), Labcorp
Classification: Uncertain significance for Capillary malformation-arteriovenous malformation syndrome. Last evaluated: 2025-12-29. Review status: criteria provided, single submitter. Criteria: Invitae Variant Classification Sherloc (09022015). Collection method: clinical testing. Allele origin: germline.
Comment: This sequence change replaces alanine, which is neutral and non-polar, with threonine, which is neutral and polar, at codon 103 of the RASA1 protein (p.Ala103Thr). This variant is not present in population databases (gnomAD no frequency). This variant has not been reported in the literature in individuals affected with RASA1-related conditions. ClinVar contains an entry for this variant (Variation ID: 2737642). An algorithm developed to predict the effect of missense changes on protein structure and function (PolyPhen-2) suggests that this variant is likely to be disruptive. In summary, the available evidence is currently insufficient to determine the role of this variant in disease. Therefore, it has been classified as a Variant of Uncertain Significance.

NM_002890.3(RASA1):c.307G>A (p.Ala103Thr)

Gene: RASA1 (RAS p21 protein activator 1; plus strand). Cytogenetic location: 5q14.3.
Variant type: single nucleotide variant.
Coding change: c.307G>A on transcript NM_002890.3 (MANE Select); coding-DNA position 307, G replaced by A.
Protein change: p.Ala103Thr; replaces alanine 103 with threonine.
Molecular consequence: missense variant.
Genome position (GRCh38, 1-based): chr5:87,268,758, G>A. VCF-style: chr5-87268758-G-A. GRCh37 (hg19) VCF-style: chr5-86564575-G-A.
Other names: short protein forms A103T.
Identifiers: ClinVar variation 2737642 (VCV002737642.3), dbSNP rs2531003106, ClinGen allele CA360417141.